The following is an entry in ClinVar:

NM_001042492.3(NF1):c.6334G>A (p.Ala2112Thr)

Gene: NF1 (neurofibromin 1; plus strand). Cytogenetic location: 17q11.2.
Variant type: single nucleotide variant.
Coding change: c.6334G>A on transcript NM_001042492.3 (MANE Select); coding-DNA position 6334, G replaced by A.
Protein change: p.Ala2112Thr; replaces alanine 2112 with threonine.
Molecular consequence: missense variant.
Genome position (GRCh38, 1-based): chr17:31,336,821, G>A. VCF-style: chr17-31336821-G-A. GRCh37 (hg19) VCF-style: chr17-29663839-G-A.
Other names: c.6271G>A, p.Ala2091Thr (NM_000267.4); short protein forms A2091T, A2112T.
Identifiers: ClinVar variation 237583 (VCV000237583.22), dbSNP rs749672954, ClinGen allele CA8487335.

ClinVar aggregate classification (germline): Conflicting classifications of pathogenicity. Review status: criteria provided, conflicting classifications (1 of 4 stars). 6 submissions from 6 submitters: Uncertain significance (5); Likely benign (1). Last evaluated 2026-04-28.

Conditions:
NF1-related disorder. Also called: NF1-related condition. Identifiers: MedGen CN379171.
Hereditary cancer-predisposing syndrome. Also called: Neoplastic Syndromes, Hereditary; Hereditary Cancer Syndrome; Tumor predisposition; Hereditary neoplastic syndrome. Identifiers: Orphanet 140162, MedGen C0027672, MeSH D009386, MONDO:0015356.
Cardiovascular phenotype. Identifiers: MedGen CN230736.
Neurofibromatosis, type 1 (NF1). Also called: NEUROFIBROMATOSIS, TYPE I, SOMATIC; Neurofibromatosis, type I; VON RECKLINGHAUSEN DISEASE; Peripheral type neurofibromatosis. Identifiers: Orphanet 636, MedGen C0027831, MONDO:0018975, OMIM 162200. Disease mechanism: loss of function.

Allele frequency attached by ClinVar (database versions not stated): ExAC 0.00001; gnomAD exomes 0.00001 and below 0.00001; gnomAD 0.00001.
gnomAD v4.1: 3 of 1,613,834 alleles (0.00019%); highest among the groups gnomAD compares: South Asian, 0.0011%; no homozygotes.

Submissions (6):

Ambry Genetics
Classification: Uncertain significance for Cardiovascular phenotype; Hereditary cancer-predisposing syndrome. Last evaluated: 2026-04-28. Review status: criteria provided, single submitter. Criteria: Ambry Variant Classification Scheme 2023. Collection method: clinical testing. Allele origin: germline.
Comment: The p.A2091T variant (also known as c.6271G>A), located in coding exon 41 of the NF1 gene, results from a G to A substitution at nucleotide position 6271. The alanine at codon 2091 is replaced by threonine, an amino acid with similar properties. This variant was detected as heterozygous in individual(s) with no reported features of Neurofibromatosis type 1 (Ambry internal data).This amino acid position is highly conserved in available vertebrate species. In addition, the in silico prediction for this alteration is inconclusive. Based on the available evidence, the clinical significance of this variant remains unclear.

Labcorp Genetics (formerly Invitae), Labcorp
Classification: Likely benign for Neurofibromatosis, type 1. Last evaluated: 2026-01-30. Review status: criteria provided, single submitter. Criteria: Invitae Variant Classification Sherloc (09022015). Collection method: clinical testing. Allele origin: germline.

GeneDx
Classification: Uncertain significance. Last evaluated: 2024-02-26. Review status: criteria provided, single submitter. Criteria: GeneDx Variant Classification Process June 2021. Collection method: clinical testing. Allele origin: germline. Affected: yes.
Comment: In silico analysis supports that this missense variant does not alter protein structure/function; Has not been previously published as pathogenic or benign to our knowledge

PreventionGenetics, part of Exact Sciences
Classification: Uncertain significance for NF1-related condition. Last evaluated: 2022-09-22. Review status: criteria provided, single submitter. Criteria: ACMG Guidelines, 2015. Collection method: clinical testing. Allele origin: germline.
Comment: The NF1 c.6334G>A variant is predicted to result in the amino acid substitution p.Ala2112Thr. To our knowledge, this variant has not been reported in the literature. This variant is reported in 0.0033% of alleles in individuals of South Asian descent in gnomAD. At this time, the clinical significance of this variant is uncertain due to the absence of conclusive functional and genetic evidence.

Genome-Nilou Lab
Classification: Uncertain significance for Neurofibromatosis, type 1. Last evaluated: 2022-03-15. Review status: criteria provided, single submitter. Criteria: ACMG Guidelines, 2015. Collection method: clinical testing. Allele origin: germline. Affected: no.

Laboratory for Molecular Medicine, Mass General Brigham Personalized Medicine
Classification: Uncertain significance. Last evaluated: 2016-05-16. Review status: criteria provided, single submitter. Criteria: LMM Criteria. Collection method: clinical testing. Allele origin: germline. Observed: 1 variant allele.
Comment: The p.Ala2112Thr variant in NF1 has not been previously reported in individuals with clinical features of a RASopathy, but has been identified in 1/16508 of Sou th Asian chromosomes by the Exome Aggregation Consortium (ExAC; dbSNP rs749672954). Computational prediction tools and conservat ion analysis do not provide strong support for or against an impact to the prote in. In summary, the clinical significance of the p.Ala2112Thr variant is uncerta in.